The following is an entry in ClinVar:

ClinVar aggregate classification (germline): Conflicting classifications of pathogenicity. Review status: criteria provided, conflicting classifications (1 of 4 stars). 2 submissions from 2 submitters: Uncertain significance (1); Likely benign (1). Last evaluated 2023-03-23.

Conditions:
Hereditary breast ovarian cancer syndrome. Also called: Hereditary breast and ovarian cancer syndrome (HBOC); Hereditary breast and ovarian cancer syndrome; Breast and ovarian cancer; Hereditary breast and/or ovarian cancer syndrome; Hereditary breast and ovarian cancer; BRCA1- and BRCA2-Associated Hereditary Breast and Ovarian Cancer. Identifiers: Orphanet 145, MedGen C0677776, MeSH D061325, MONDO:0003582. Disease mechanism: loss of function.
Hereditary cancer-predisposing syndrome. Also called: Hereditary neoplastic syndrome; Neoplastic Syndromes, Hereditary; Hereditary Cancer Syndrome; Tumor predisposition. Identifiers: Orphanet 140162, MedGen C0027672, MeSH D009386, MONDO:0015356.

Submissions (2):

University of Washington Department of Laboratory Medicine, University of Washington
Classification: Likely benign for Hereditary cancer-predisposing syndrome. Last evaluated: 2023-03-23. Review status: criteria provided, single submitter. Criteria: Dines et al. (Genet Med. 2020). Collection method: curation. Allele origin: germline.
Comment: Missense variant in a coldspot region where missense variants are very unlikely to be pathogenic (PMID:31911673).

BRCA1 coldspot (exon 11 using historical exon numbering). Reclassification based on statistical prior probability

Labcorp Genetics (formerly Invitae), Labcorp
Classification: Uncertain significance for Hereditary breast ovarian cancer syndrome. Last evaluated: 2017-10-15. Review status: criteria provided, single submitter. Criteria: Invitae Variant Classification Sherloc (09022015). Collection method: clinical testing. Allele origin: germline.
Comment: This sequence change replaces serine with threonine at codon 725 of the BRCA1 protein (p.Ser725Thr). The serine residue is moderately conserved and there is a small physicochemical difference between serine and threonine. This variant is not present in population databases (ExAC no frequency). This variant has not been reported in the literature in individuals with BRCA1-related disease. Algorithms developed to predict the effect of missense changes on protein structure and function do not agree on the potential impact of this missense change (SIFT: "Tolerated"; PolyPhen-2: "Possibly Damaging"; Align-GVGD: "Class C0"). In summary, the available evidence is currently insufficient to determine the role of this variant in disease. Therefore, it has been classified as a Variant of Uncertain Significance.

NM_007294.4(BRCA1):c.2174G>C (p.Ser725Thr)

Gene: BRCA1 (BRCA1 DNA repair associated; minus strand). Cytogenetic location: 17q21.31.
Variant type: single nucleotide variant.
Coding change: c.2174G>C on transcript NM_007294.4 (MANE Select); coding-DNA position 2174, G replaced by C.
Protein change: p.Ser725Thr; replaces serine 725 with threonine.
Molecular consequence: missense variant. On other transcripts: intron variant (137).
Genome position (GRCh38, 1-based): chr17:43,093,357, C>G on the plus strand (G>C on the coding strand, the complement: BRCA1 is on the minus strand). VCF-style: chr17-43093357-C-G. GRCh37 (hg19) VCF-style: chr17-41245374-C-G.
Other names: c.784+1387G>C (NM_001407986.1, NM_001407972.1, NM_001408397.1 and 13 more transcripts); c.664+1387G>C (NM_001408441.1, NM_001408437.1, NM_001408429.1 and 12 more transcripts); c.787+1387G>C (NM_001407979.1, NM_001407977.1, NM_001407982.1 and 17 more transcripts); c.646+1387G>C (NM_001408410.1, NM_001408458.1, NM_001408469.1 and 11 more transcripts); c.709+1387G>C (NM_001408415.1, NM_001408412.1, NM_001408409.1 and 2 more transcripts); c.577+1387G>C (NM_001408483.1, NM_001408481.1, NM_001408480.1 and 9 more transcripts); c.1961G>C, p.Ser654Thr (NM_001407571.1, NM_001407853.1, NM_001407894.1 and 9 more transcripts); c.2174G>C, p.Ser725Thr (NM_001407581.1, NM_001407582.1, NM_001407583.1 and 30 more transcripts); and 41 more; short protein forms S725T, S678T, S557T, S598T, S636T, S637T, S654T, S698T.
Identifiers: ClinVar variation 531211 (VCV000531211.12), dbSNP rs1555590284, ClinGen allele CA10597655.